The following is an entry in ClinVar:

NM_003482.4(KMT2D):c.7046C>T (p.Pro2349Leu)

Gene: KMT2D (lysine methyltransferase 2D; minus strand). Cytogenetic location: 12q13.12.
Variant type: single nucleotide variant.
Coding change: c.7046C>T on transcript NM_003482.4 (MANE Select); coding-DNA position 7046, C replaced by T.
Protein change: p.Pro2349Leu; replaces proline 2349 with leucine.
Molecular consequence: missense variant.
Genome position (GRCh38, 1-based): chr12:49,040,724, G>A on the plus strand (C>T on the coding strand, the complement: KMT2D is on the minus strand). VCF-style: chr12-49040724-G-A. GRCh37 (hg19) VCF-style: chr12-49434507-G-A.
Other names: short protein forms P2349L.
Identifiers: ClinVar variation 196690 (VCV000196690.25), dbSNP rs201581582, ClinGen allele CA202516.

ClinVar aggregate classification (germline): Conflicting classifications of pathogenicity. Review status: criteria provided, conflicting classifications (1 of 4 stars). 7 submissions from 7 submitters: Uncertain significance (1); Benign (3); Likely benign (2). 1 of the submissions does not count toward it. Last evaluated 2025-11-05.

Conditions:
KMT2D-related disorder. Also called: KMT2D-Related Disorders.
Kabuki syndrome. Also called: Kabuki make-up syndrome; NIIKAWA-KUROKI SYNDROME. Identifiers: Orphanet 2322, MedGen C0796004, MONDO:0016512.
Kabuki syndrome 1 (KABUK1). Also called: KMT2D-Related Kabuki Syndrome. Identifiers: Orphanet 2322, MedGen CN030661, MONDO:0007843, OMIM 147920.

Allele frequency attached by ClinVar (database versions not stated): gnomAD exomes 0.00009 and 0.00050; TOPMed 0.00020; ExAC 0.00046; gnomAD 0.00061; 1000 Genomes Project 30x 0.00156; 1000 Genomes Project 0.00160.
gnomAD v4.1: 200 of 1,613,666 alleles (0.012%); highest among the groups gnomAD compares: East Asian, 0.35%; 1 homozygote.

Submissions (7):

Labcorp Genetics (formerly Invitae), Labcorp
Classification: Benign for Kabuki syndrome. Last evaluated: 2025-11-05. Review status: criteria provided, single submitter. Criteria: Invitae Variant Classification Sherloc (09022015). Collection method: clinical testing. Allele origin: germline.

CeGaT Center for Human Genetics Tuebingen
Classification: Likely benign. Last evaluated: 2025-11-01. Review status: criteria provided, single submitter. Criteria: CeGaT Center For Human Genetics Tuebingen Variant Classification Criteria Version 2. Collection method: clinical testing. Allele origin: germline. Affected: yes. Observed: 1 variant allele.
Comment: KMT2D: BP4, BS2

Blueprint Genetics
Classification: Likely benign. Last evaluated: 2024-11-05. Review status: criteria provided, single submitter. Criteria: ACMG Guidelines, 2015. Collection method: clinical testing. Allele origin: germline.

GeneDx
Classification: Benign. Last evaluated: 2019-07-25. Review status: criteria provided, single submitter. Criteria: GeneDx Variant Classification Process June 2021. Collection method: clinical testing. Allele origin: germline. Affected: yes.

Center for Human Genetics, Inc
Classification: Uncertain significance for Kabuki syndrome 1. Last evaluated: 2016-11-01. Review status: criteria provided, single submitter. Criteria: ACMG Guidelines, 2015. Collection method: clinical testing. Allele origin: germline. Affected: yes.

Eurofins Ntd Llc (ga)
Classification: Benign. Last evaluated: 2015-02-17. Review status: criteria provided, single submitter. Criteria: EGL Classification Definitions 2015. Collection method: clinical testing. Allele origin: germline. Observed: 1 variant allele, 1 heterozygote.

PreventionGenetics, part of Exact Sciences
Classification: Benign for KMT2D-related condition. Last evaluated: 2019-09-09. Review status: no assertion criteria provided. Collection method: clinical testing. Allele origin: germline. Not counted in ClinVar's aggregate classification.
Comment: This variant is classified as benign based on ACMG/AMP sequence variant interpretation guidelines (Richards et al. 2015 PMID: 25741868, with internal and published modifications).